The following is an entry in ClinVar:

ClinVar aggregate classification (germline): Uncertain significance (1 of 4 stars; one submission).

Conditions:
Hereditary spastic paraplegia 11. Also called: SPASTIC PARAPLEGIA, AUTOSOMAL RECESSIVE, COMPLICATED, WITH THIN CORPUS CALLOSUM; SPASTIC PARAPLEGIA, AUTOSOMAL RECESSIVE, WITH MENTAL IMPAIRMENT AND THIN CORPUS CALLOSUM; Spastic Paraplegia 11; Spastic paraplegia, mental retardation and thin corpus callosum; Nakamura Osame syndrome; Autosomal recessive hereditary spastic paraplegia, mental impairment, and thin corpus callosum. Identifiers: Orphanet 2822, MedGen C1858479, MONDO:0011445, OMIM 604360.

gnomAD v4.1: 6 of 1,614,078 alleles (0.00037%); highest among the groups gnomAD compares: Admixed American, 0.0033%; no homozygotes.

Submission:

Labcorp Genetics (formerly Invitae), Labcorp
Classification: Uncertain significance for Hereditary spastic paraplegia 11. Last evaluated: 2025-11-02. Review status: criteria provided, single submitter. Criteria: Invitae Variant Classification Sherloc (09022015). Collection method: clinical testing. Allele origin: germline.
Comment: This sequence change replaces proline, which is neutral and non-polar, with serine, which is neutral and polar, at codon 318 of the SPG11 protein (p.Pro318Ser). This variant is present in population databases (rs769913756, gnomAD 0.006%). This variant has not been reported in the literature in individuals affected with SPG11-related conditions. Invitae Evidence Modeling of protein sequence and biophysical properties (such as structural, functional, and spatial information, amino acid conservation, physicochemical variation, residue mobility, and thermodynamic stability) indicates that this missense variant is not expected to disrupt SPG11 protein function with a negative predictive value of 80%. In summary, the available evidence is currently insufficient to determine the role of this variant in disease. Therefore, it has been classified as a Variant of Uncertain Significance.

NM_025137.4(SPG11):c.952C>T (p.Pro318Ser)

Gene: SPG11 (SPG11 vesicle trafficking associated, spatacsin; minus strand). Cytogenetic location: 15q21.1.
Variant type: single nucleotide variant.
Coding change: c.952C>T on transcript NM_025137.4 (MANE Select); coding-DNA position 952, C replaced by T.
Protein change: p.Pro318Ser; replaces proline 318 with serine.
Molecular consequence: missense variant.
Genome position (GRCh38, 1-based): chr15:44,652,184, G>A on the plus strand (C>T on the coding strand, the complement: SPG11 is on the minus strand). VCF-style: chr15-44652184-G-A. GRCh37 (hg19) VCF-style: chr15-44944382-G-A.
Other names: c.952C>T, p.Pro318Ser (NM_001160227.2, NM_001411132.1); short protein forms P318S.
Identifiers: ClinVar variation 4738400 (VCV004738400.1).